The following is an entry in ClinVar:

ClinVar aggregate classification (germline): Uncertain significance. Review status: criteria provided, multiple submitters, no conflicts (2 of 4 stars). 3 submissions from 3 submitters: Uncertain significance (2). 1 of the submissions does not count toward it. Last evaluated 2025-08-12.

Conditions:
Inborn genetic diseases. Identifiers: MedGen C0950123, MeSH D030342.
Dyskeratosis congenita, autosomal recessive 5 (DKCB5). Identifiers: MedGen C3554656, MONDO:0014076, OMIM 615190.
Pulmonary fibrosis and/or bone marrow failure, Telomere-related, 3. Also called: PULMONARY FIBROSIS AND/OR BONE MARROW FAILURE SYNDROME, TELOMERE-RELATED, 3. Identifiers: Orphanet 2032, MedGen C4225346, MONDO:0014613, OMIM 616373.
Dyskeratosis congenita. Identifiers: Orphanet 1775, MedGen C0265965, MONDO:0015780.

Allele frequency attached by ClinVar (database versions not stated): TOPMed 0.00002.
gnomAD v4.1: 15 of 1,612,432 alleles (0.00093%); highest among the groups gnomAD compares: East Asian, 0.0022%; no homozygotes.

Submissions (3):

Labcorp Genetics (formerly Invitae), Labcorp
Classification: Uncertain significance for Dyskeratosis congenita, autosomal recessive 5; Pulmonary fibrosis and/or bone marrow failure, Telomere-related, 3. Last evaluated: 2025-08-12. Review status: criteria provided, single submitter. Criteria: Invitae Variant Classification Sherloc (09022015). Collection method: clinical testing. Allele origin: germline.
Comment: This sequence change replaces threonine, which is neutral and polar, with methionine, which is neutral and non-polar, at codon 1010 of the RTEL1 protein (p.Thr1010Met). This variant is present in population databases (no rsID available, gnomAD 0.0009%). This variant has not been reported in the literature in individuals affected with RTEL1-related conditions. ClinVar contains an entry for this variant (Variation ID: 966089). An algorithm developed to predict the effect of missense changes on protein structure and function (PolyPhen-2) suggests that this variant is likely to be tolerated. In summary, the available evidence is currently insufficient to determine the role of this variant in disease. Therefore, it has been classified as a Variant of Uncertain Significance.

Ambry Genetics
Classification: Uncertain significance for Inborn genetic diseases. Last evaluated: 2024-11-30. Review status: criteria provided, single submitter. Criteria: Ambry Variant Classification Scheme 2023. Collection method: clinical testing. Allele origin: germline.
Comment: The p.T1010M variant (also known as c.3029C>T), located in coding exon 30 of the RTEL1 gene, results from a C to T substitution at nucleotide position 3029. The threonine at codon 1010 is replaced by methionine, an amino acid with similar properties. This amino acid position is conserved. In addition, this alteration is predicted to be tolerated by in silico analysis. Based on the available evidence, the clinical significance of this variant remains unclear.

Natera, Inc.
Classification: Uncertain significance for Dyskeratosis congenita. Last evaluated: 2020-10-22. Review status: no assertion criteria provided. Collection method: clinical testing. Allele origin: germline. Not counted in ClinVar's aggregate classification.

NM_001283009.2(RTEL1):c.3029C>T (p.Thr1010Met)

Genes: RTEL1-TNFRSF6B (RTEL1-TNFRSF6B readthrough (NMD candidate); plus strand), RTEL1 (regulator of telomere elongation helicase 1; plus strand). Cytogenetic location: 20q13.33.
Variant type: single nucleotide variant.
Coding change: c.3029C>T on transcript NM_001283009.2 (MANE Select); coding-DNA position 3029, C replaced by T.
Protein change: p.Thr1010Met; replaces threonine 1010 with methionine.
Molecular consequence: missense variant. On other transcripts: non-coding transcript variant (1).
Genome position (GRCh38, 1-based): chr20:63,694,408, C>T. VCF-style: chr20-63694408-C-T. GRCh37 (hg19) VCF-style: chr20-62325761-C-T.
Other names: c.2360C>T, p.Thr787Met (NM_001283010.1); c.3029C>T, p.Thr1010Met (NM_016434.4); c.3101C>T, p.Thr1034Met (NM_032957.5); short protein forms T1034M, T1010M, T787M.
Identifiers: ClinVar variation 966089 (VCV000966089.9), dbSNP rs750539539, ClinGen allele CA317527012.